The following is an entry in ClinVar:

ClinVar aggregate classification (germline): Pathogenic (1 of 4 stars; one submission).

Conditions:
Fetal anomalies with a likely genetic cause.

Submission:

Genetics Laboratory, Great Ormond Street Hospital NHS Foundation Trust, North Thames Genomic Laboratory Hub
Classification: Pathogenic for Fetal anomalies with a likely genetic cause. Last evaluated: 2026-07-12. Review status: criteria provided, single submitter. Criteria: ACGS Best Practice Guidelines for Variant Classification in Rare Disease 2024 v1.2. Collection method: clinical testing. Allele origin: germline. Affected: yes.
Comment: PM2_moderate, PVS1_very-strong

NM_001291303.3(FAT4):c.5053C>T (p.Arg1685Ter)

Gene: FAT4 (FAT atypical cadherin 4; plus strand). Cytogenetic location: 4q28.1.
Variant type: single nucleotide variant.
Coding change: c.5053C>T on transcript NM_001291303.3 (MANE Select); coding-DNA position 5053, C replaced by T.
Protein change: p.Arg1685Ter; replaces arginine 1685 with a stop codon.
Molecular consequence: nonsense. On other transcripts: intron variant (1).
Genome position (GRCh38, 1-based): chr4:125,321,464, C>T. VCF-style: chr4-125321464-C-T. GRCh37 (hg19) VCF-style: chr4-126242619-C-T.
Other names: c.5053C>T, p.Arg1685Ter (NM_001291285.3, NM_001438396.1, NM_001438397.1 and 1 more transcripts); c.-55+5487C>T (NM_001437895.1); short protein forms R1685*.
Identifiers: ClinVar variation 4888309 (VCV004888309.1).